The following is an entry in ClinVar:

ClinVar aggregate classification (germline): Uncertain significance (1 of 4 stars; one submission).

Conditions:
L1CAM-related disorder. Also called: L1CAM-related condition.

Submission:

PreventionGenetics, part of Exact Sciences
Classification: Uncertain significance for L1CAM-related condition. Last evaluated: 2023-09-20. Review status: criteria provided, single submitter. Criteria: ACMG Guidelines, 2015. Collection method: clinical testing. Allele origin: germline.
Comment: The L1CAM c.1187C>T variant is predicted to result in the amino acid substitution p.Pro396Leu. To our knowledge, this variant has not been reported in the literature or in a large population database, indicating this variant is rare. At this time, the clinical significance of this variant is uncertain due to the absence of conclusive functional and genetic evidence.

NM_001278116.2(L1CAM):c.1187C>T (p.Pro396Leu)

Gene: L1CAM (L1 cell adhesion molecule; minus strand). Cytogenetic location: Xq28.
Variant type: single nucleotide variant.
Coding change: c.1187C>T on transcript NM_001278116.2 (MANE Select); coding-DNA position 1187, C replaced by T.
Protein change: p.Pro396Leu; replaces proline 396 with leucine.
Molecular consequence: missense variant.
Genome position (GRCh38, 1-based): chrX:153,869,600, G>A on the plus strand (C>T on the coding strand, the complement: L1CAM is on the minus strand). VCF-style: chrX-153869600-G-A. GRCh37 (hg19) VCF-style: chrX-153135055-G-A.
Other names: c.1187C>T, p.Pro396Leu (NM_000425.5, NM_024003.3); c.1172C>T, p.Pro391Leu (NM_001143963.2); short protein forms P391L, P396L.
Identifiers: ClinVar variation 2630671 (VCV002630671.1), dbSNP rs781830365, ClinGen allele CA415129665.